The following is an entry in ClinVar:

ClinVar aggregate classification (germline): Uncertain significance. Review status: criteria provided, multiple submitters, no conflicts (2 of 4 stars). 2 submissions from 2 submitters: Uncertain significance (2). Last evaluated 2023-03-10.

Conditions:
Congenital contractural arachnodactyly (CCA). Also called: BEALS SYNDROME; Beals-Hecht syndrome; Arthrogryposis, distal, type 9. Identifiers: Orphanet 115, MedGen C0220668, MONDO:0007363, OMIM 121050.

Allele frequency attached by ClinVar (database versions not stated): TOPMed below 0.00001.

Submissions (2):

GeneDx
Classification: Uncertain significance. Last evaluated: 2023-03-10. Review status: criteria provided, single submitter. Criteria: GeneDx Variant Classification Process June 2021. Collection method: clinical testing. Allele origin: germline. Affected: yes.
Comment: Has not been previously published as pathogenic or benign to our knowledge; Not observed at significant frequency in large population cohorts (gnomAD); Does not occur within a calcium-binding-EGF-like domain (Callewaert et al., 2009, Frederic et al., 2009); In silico analysis supports that this missense variant does not alter protein structure/function

Illumina Laboratory Services, Illumina
Classification: Uncertain significance for Congenital contractural arachnodactyly. Last evaluated: 2018-01-13. Review status: criteria provided, single submitter. Criteria: ICSL Variant Classification Criteria 13 December 2019. Collection method: clinical testing. Allele origin: germline.

NM_001999.4(FBN2):c.8552A>G (p.Asn2851Ser)

Gene: FBN2 (fibrillin 2; minus strand). Cytogenetic location: 5q23.3.
Variant type: single nucleotide variant.
Coding change: c.8552A>G on transcript NM_001999.4 (MANE Select); coding-DNA position 8552, A replaced by G.
Protein change: p.Asn2851Ser; replaces asparagine 2851 with serine.
Molecular consequence: missense variant.
Genome position (GRCh38, 1-based): chr5:128,259,642, T>C on the plus strand (A>G on the coding strand, the complement: FBN2 is on the minus strand). VCF-style: chr5-128259642-T-C. GRCh37 (hg19) VCF-style: chr5-127595334-T-C.
Other names: short protein forms N2851S.
Identifiers: ClinVar variation 350758 (VCV000350758.6), dbSNP rs886059891, ClinGen allele CA10622472.